The following is an entry in ClinVar:

NM_001297595.2(SIN3B):c.225G>A (p.Gln75=)

Gene: SIN3B (SIN3 transcription regulator family member B; plus strand). Cytogenetic location: 19p13.11.
Variant type: single nucleotide variant.
Coding change: c.225G>A on transcript NM_001297595.2 (MANE Select); coding-DNA position 225, G replaced by A.
Protein change: p.Gln75=; no amino-acid change (glutamine 75 retained).
Molecular consequence: synonymous variant.
Genome position (GRCh38, 1-based): chr19:16,829,895, G>A. VCF-style: chr19-16829895-G-A. GRCh37 (hg19) VCF-style: chr19-16940706-G-A.
Other names: c.225G>A, p.Gln75= (NM_015260.4).
Identifiers: ClinVar variation 4855530 (VCV004855530.1).

ClinVar aggregate classification (germline): Uncertain significance (1 of 4 stars; one submission).

Conditions:
SIN3B-related disorder. Also called: SIN3B-related condition.

Submission:

3billion
Classification: Uncertain significance for SIN3B-related disorder. Last evaluated: 2025-10-25. Review status: criteria provided, single submitter. Criteria: ACMG Guidelines, 2015. Collection method: clinical testing. Allele origin: germline. Affected: yes.
Comment: The variant is not observed in the gnomAD v4.1.0 dataset. Predicted Consequence/Location: Synonymous variant In silico tools predict the variant to alter splicing and produce an abnormal transcript [SpliceAI: 0.37 (>=0.2, moderate evidence for spliceogenicity)]. Therefore, this variant is classified as VUS according to the recommendation of ACMG/AMP guideline.